The following is an entry in ClinVar:

ClinVar aggregate classification (germline): Pathogenic. Review status: reviewed by expert panel (3 of 4 stars). 6 submissions from 6 submitters: Pathogenic (1). 5 of the submissions do not count toward it. Last evaluated 2016-10-18.

Conditions:
Breast-ovarian cancer, familial, susceptibility to, 1 (BROVCA1). Also called: OVARIAN CANCER, SUSCEPTIBILITY TO; BRCA1 Hereditary Breast and Ovarian Cancer. Identifiers: Orphanet 145, MedGen C2676676, MONDO:0011450, OMIM 604370. Disease mechanism: loss of function.
Fanconi anemia, complementation group S (FANCS). Identifiers: MedGen C4554406, MONDO:0054748, OMIM 617883.
Pancreatic cancer, susceptibility to, 4. Identifiers: Orphanet 1333, MedGen C3280442, MONDO:0013685, OMIM 614320.
Hereditary cancer-predisposing syndrome. Also called: Hereditary neoplastic syndrome; Hereditary Cancer Syndrome; Neoplastic Syndromes, Hereditary; Tumor predisposition. Identifiers: Orphanet 140162, MedGen C0027672, MeSH D009386, MONDO:0015356.
Hereditary breast ovarian cancer syndrome. Also called: BRCA1- and BRCA2-Associated Hereditary Breast and Ovarian Cancer; Breast and ovarian cancer; Hereditary breast and/or ovarian cancer syndrome; Hereditary breast and ovarian cancer syndrome (HBOC); Hereditary breast and ovarian cancer syndrome; Hereditary breast and ovarian cancer. Identifiers: Orphanet 145, MedGen C0677776, MeSH D061325, MONDO:0003582. Disease mechanism: loss of function.

Submissions (6):

Evidence-based Network for the Interpretation of Germline Mutant Alleles (ENIGMA)
Classification: Pathogenic for Breast-ovarian cancer, familial, susceptibility to, 1. Last evaluated: 2016-10-18. Review status: reviewed by expert panel. Criteria: ENIGMA BRCA1/2 Classification Criteria (2015). Collection method: curation. Allele origin: germline.
Comment: Variant allele predicted to encode a truncated non-functional protein.

Ambry Genetics
Classification: Pathogenic for Hereditary cancer-predisposing syndrome. Last evaluated: 2024-04-15. Review status: criteria provided, single submitter. Criteria: Ambry Variant Classification Scheme 2023. Collection method: clinical testing. Allele origin: germline. Not counted in ClinVar's aggregate classification.
Comment: The c.237delT pathogenic mutation, located in coding exon 4 of the BRCA1 gene, results from a deletion of one nucleotide at nucleotide position 237, causing a translational frameshift with a predicted alternate stop codon (p.F79Lfs*9). This alteration was identified in 2 of 620 patients at risk for hereditary breast and/or ovarian cancer referred for multigene panel testing (Schroeder C et al. Breast Cancer Res Treat, 2015 Jul;152:129-136). This variant is considered to be rare based on population cohorts in the Genome Aggregation Database (gnomAD). This alteration is expected to result in loss of function by premature protein truncation or nonsense-mediated mRNA decay. As such, this alteration is interpreted as a disease-causing mutation.

Labcorp Genetics (formerly Invitae), Labcorp
Classification: Pathogenic for Hereditary breast ovarian cancer syndrome. Last evaluated: 2022-09-23. Review status: criteria provided, single submitter. Criteria: Invitae Variant Classification Sherloc (09022015). Collection method: clinical testing. Allele origin: germline. Not counted in ClinVar's aggregate classification.
Comment: For these reasons, this variant has been classified as Pathogenic. ClinVar contains an entry for this variant (Variation ID: 266255). This premature translational stop signal has been observed in individual(s) with family history of breast and/or ovarian cancer (PMID: 26022348). This variant is not present in population databases (gnomAD no frequency). This sequence change creates a premature translational stop signal (p.Phe79Leufs*9) in the BRCA1 gene. It is expected to result in an absent or disrupted protein product. Loss-of-function variants in BRCA1 are known to be pathogenic (PMID: 20104584).

Consortium of Investigators of Modifiers of BRCA1/2 (CIMBA), c/o University of Cambridge
Classification: Pathogenic for Breast-ovarian cancer, familial, susceptibility to, 1. Last evaluated: 2015-10-02. Review status: criteria provided, single submitter. Criteria: CIMBA Mutation Classification guidelines May 2016. Collection method: clinical testing. Allele origin: germline. Not counted in ClinVar's aggregate classification.

Juno Genomics, Hangzhou Juno Genomics, Inc
Classification: Pathogenic for Breast-ovarian cancer, familial, susceptibility to, 1; Pancreatic cancer, susceptibility to, 4; Fanconi anemia, complementation group S. Review status: criteria provided, single submitter. Criteria: ACMG Guidelines, 2015. Collection method: clinical testing. Allele origin: germline. Not counted in ClinVar's aggregate classification.
Comment: Absent from controls (or at extremely low frequency if recessive) in Genome Aggregation Database.;Null variant in a gene where loss of function (LOF) is a known mechanism of disease.;Novel missense change at an amino acid residue where a different missense change determined to be pathogenic has been seen before.

KCCC/NGS Laboratory, Kuwait Cancer Control Center
Classification: Pathogenic for Breast-ovarian cancer, familial, susceptibility to, 1. Last evaluated: 2023-05-05. Review status: no assertion criteria provided. Collection method: clinical testing. Allele origin: germline. Affected: yes. Not counted in ClinVar's aggregate classification.
Comment: A pathogenic variant was detected in the BRCA1 gene in this specimen. This sequence change creates a premature translational stop signal (p.Phe79Leufs*8) in the BRCA1 gene. It is expected to result in an absent or disrupted protein product. This variant is not present in population databases (ExAC no frequency). This variant has not been reported in individuals and families affected with breast and ovarian cancer. ClinVar contains an entry for this variant (266255) with two submissions describing this variant as likely pathogenic. Loss-of-function variants in BRCA1 are known to be pathogenic (PMID: 20104584). Therefore, this variant has been classified as pathogenic.

Literature cited by the submitters: PubMed 26022348 (cited by Ambry Genetics and Labcorp Genetics (formerly Invitae), Labcorp); PubMed 20104584 (cited by Labcorp Genetics (formerly Invitae), Labcorp and KCCC/NGS Laboratory, Kuwait Cancer Control Center).

NM_007294.4(BRCA1):c.237del (p.Phe79fs)

Gene: BRCA1 (BRCA1 DNA repair associated; minus strand). Cytogenetic location: 17q21.31.
Variant type: Deletion.
Coding change: c.237del on transcript NM_007294.4 (MANE Select); coding-DNA position 237, one base deleted (T; older notation c.237delT).
Protein change: p.Phe79fs; shifts the reading frame from phenylalanine 79.
Molecular consequence: frameshift variant. On other transcripts: non-coding transcript variant (1).
Genome position (GRCh38, 1-based): chr17:43,104,932, A deleted on the plus strand (T on the coding strand, the reverse complement: BRCA1 is on the minus strand); the first of 3 consecutive A bases (chr17:43,104,932-43,104,934); deleting any one gives the same sequence. VCF-style (leftmost placement, unchanged base first): chr17-43104931-TA-T. GRCh37 (hg19) VCF-style: chr17-41256948-TA-T.
Other names: 356delT; c.235delT, p.Phe79Leufs (NM_001407639.1, NM_001407640.1, NM_001407641.1 and 167 more transcripts); c.157delT, p.Phe53Leufs (NM_001407653.1, NM_001407654.1, NM_001407655.1 and 21 more transcripts); c.94delT, p.Phe32Leufs (NM_001407692.1, NM_001407694.1, NM_001407695.1 and 98 more transcripts); c.25delT, p.Phe9Leufs (NM_001407853.1, NM_001407879.1, NM_001407881.1 and 58 more transcripts); c.-147delT (NM_001407959.1, NM_001407960.1, NM_001407962.1 and 4 more transcripts); c.103delT, p.Phe35Leufs (NM_001408451.1); c.96del, p.Phe32fs (NM_007297.4); and 2 more; short protein forms F32fs, F79fs.
Identifiers: ClinVar variation 266255 (VCV000266255.15), dbSNP rs886040030, ClinGen allele CA10590029.